The following is an entry in ClinVar:

NM_002691.4(POLD1):c.979C>T (p.Pro327Ser)

Gene: POLD1 (DNA polymerase delta 1, catalytic subunit; plus strand). Cytogenetic location: 19q13.33.
Variant type: single nucleotide variant.
Coding change: c.979C>T on transcript NM_002691.4 (MANE Select); coding-DNA position 979, C replaced by T.
Protein change: p.Pro327Ser; replaces proline 327 with serine.
Molecular consequence: missense variant. On other transcripts: non-coding transcript variant (1).
Genome position (GRCh38, 1-based): chr19:50,403,061, C>T. VCF-style: chr19-50403061-C-T. GRCh37 (hg19) VCF-style: chr19-50906318-C-T.
Other names: c.979C>T, p.Pro327Ser (NM_001256849.1, NM_001308632.1, NM_001438210.1 and 3 more transcripts); short protein forms P327S.
Identifiers: ClinVar variation 4141033 (VCV004141033.1).

ClinVar aggregate classification (germline): Uncertain significance (1 of 4 stars; one submission).

Conditions:
Hereditary cancer-predisposing syndrome. Also called: Hereditary neoplastic syndrome; Neoplastic Syndromes, Hereditary; Tumor predisposition; Hereditary Cancer Syndrome. Identifiers: Orphanet 140162, MedGen C0027672, MeSH D009386, MONDO:0015356.

Submission:

Ambry Genetics
Classification: Uncertain significance for Hereditary cancer-predisposing syndrome. Last evaluated: 2025-09-12. Review status: criteria provided, single submitter. Criteria: Ambry Variant Classification Scheme 2023. Collection method: clinical testing. Allele origin: germline.
Comment: The p.P327S variant (also known as c.979C>T), located in coding exon 8 of the POLD1 gene, results from a C to T substitution at nucleotide position 979. The proline at codon 327 is replaced by serine, an amino acid with similar properties. This amino acid position is conserved. In addition, the in silico prediction for this alteration is inconclusive. Based on the available evidence, the clinical significance of this variant remains unclear.